The following is an entry in ClinVar:

NM_001110556.2(FLNA):c.514C>T (p.Leu172Phe)

Gene: FLNA (filamin A; minus strand). Cytogenetic location: Xq28.
Variant type: single nucleotide variant.
Coding change: c.514C>T on transcript NM_001110556.2 (MANE Select); coding-DNA position 514, C replaced by T.
Protein change: p.Leu172Phe; replaces leucine 172 with phenylalanine.
Molecular consequence: missense variant.
Genome position (GRCh38, 1-based): chrX:154,367,950, G>A on the plus strand (C>T on the coding strand, the complement: FLNA is on the minus strand). VCF-style: chrX-154367950-G-A. GRCh37 (hg19) VCF-style: chrX-153596318-G-A.
Other names: c.514C>T, p.Leu172Phe (NM_001456.4); short protein forms L172F.
Identifiers: ClinVar variation 1098328 (VCV001098328.2), dbSNP rs2148119399, ClinGen allele CA415249694.

ClinVar aggregate classification (germline): Likely pathogenic (1 of 4 stars; one submission).

Submission:

Genetics Laboratory, UDIAT-Centre Diagnòstic, Hospital Universitari Parc Tauli
Classification: Likely pathogenic. Last evaluated: 2021-04-26. Review status: criteria provided, single submitter. Criteria: Parc Tauli Hospital Assertion Criteria 2021. Collection method: clinical testing. Allele origin: unknown. Inheritance: Autosomal dominant inheritance. Affected: yes. Observed: 1 hemizygote.
Comment: PM1_moderate;PM2_supporting;PP2_supporting;PP3_supporting;PP5_supporting